The following is an entry in ClinVar:

ClinVar aggregate classification (germline): Uncertain significance (1 of 4 stars; one submission).

Submission:

GeneDx
Classification: Uncertain significance. Last evaluated: 2022-07-05. Review status: criteria provided, single submitter. Criteria: GeneDx Variant Classification Process June 2021. Collection method: clinical testing. Allele origin: germline. Affected: yes.
Comment: Not observed at significant frequency in large population cohorts (gnomAD); In silico analysis supports that this missense variant has a deleterious effect on protein structure/function; This variant is associated with the following publications: (PMID: 23950570)

NM_000486.6(AQP2):c.287G>A (p.Gly96Glu)

Gene: AQP2 (aquaporin 2; plus strand). Cytogenetic location: 12q13.12.
Variant type: single nucleotide variant.
Coding change: c.287G>A on transcript NM_000486.6 (MANE Select); coding-DNA position 287, G replaced by A.
Protein change: p.Gly96Glu; replaces glycine 96 with glutamic acid.
Molecular consequence: missense variant.
Genome position (GRCh38, 1-based): chr12:49,951,117, G>A. VCF-style: chr12-49951117-G-A. GRCh37 (hg19) VCF-style: chr12-50344900-G-A.
Other names: short protein forms G96E.
Identifiers: ClinVar variation 1810462 (VCV001810462.1), dbSNP rs2547997104, ClinGen allele CA384772266.
Genomic context (GRCh38, chr12:49,951,117, plus strand): 5'-TGGTGGGCTGCCACGTCTCCGTTCTCCGAGCCGCCTTCTACGTGGCTGCCCAGCTGCTGG[G>A]GGCTGTGGCCGGAGCCGCTCTGCTCCATGAGATCACGCCAGCAGACATCCGCGGGGACCT-3'
Protein context (NP_000477.1, residues 86-106): AAFYVAAQLL[Gly96Glu]AVAGAALLHE